The following is an entry in ClinVar:

ClinVar aggregate classification (germline): Uncertain significance (1 of 4 stars; one submission).

Conditions:
Episodic ataxia type 1 (EA1). Also called: ATAXIA, EPISODIC, WITH MYOKYMIA; Episodic ataxia/myokymia syndrome; PAROXYSMAL ATAXIA WITH NEUROMYOTONIA, HEREDITARY; MYOKYMIA WITH PERIODIC ATAXIA. Identifiers: Orphanet 37612, Orphanet 972, MedGen C1719788, MONDO:0008047, OMIM 160120.

Allele frequency attached by ClinVar (database versions not stated): gnomAD exomes below 0.00001.

Submission:

Labcorp Genetics (formerly Invitae), Labcorp
Classification: Uncertain significance for Episodic ataxia type 1. Last evaluated: 2021-09-23. Review status: criteria provided, single submitter. Criteria: Invitae Variant Classification Sherloc (09022015). Collection method: clinical testing. Allele origin: germline.
Comment: In summary, the available evidence is currently insufficient to determine the role of this variant in disease. Therefore, it has been classified as a Variant of Uncertain Significance. Algorithms developed to predict the effect of missense changes on protein structure and function (SIFT, PolyPhen-2, Align-GVGD) all suggest that this variant is likely to be tolerated. This variant has not been reported in the literature in individuals affected with KCNA1-related conditions. This variant is not present in population databases (ExAC no frequency). This sequence change replaces valine with leucine at codon 224 of the KCNA1 protein (p.Val224Leu). The valine residue is highly conserved and there is a small physicochemical difference between valine and leucine.

NM_000217.3(KCNA1):c.670G>T (p.Val224Leu)

Gene: KCNA1 (potassium voltage-gated channel subfamily A member 1; plus strand). Cytogenetic location: 12p13.32.
Variant type: single nucleotide variant.
Coding change: c.670G>T on transcript NM_000217.3 (MANE Select); coding-DNA position 670, G replaced by T.
Protein change: p.Val224Leu; replaces valine 224 with leucine.
Molecular consequence: missense variant.
Genome position (GRCh38, 1-based): chr12:4,912,048, G>T. VCF-style: chr12-4912048-G-T. GRCh37 (hg19) VCF-style: chr12-5021214-G-T.
Other names: short protein forms V224L.
Identifiers: ClinVar variation 1043157 (VCV001043157.6), dbSNP rs1947355480, ClinGen allele CA383455075.